The following is an entry in ClinVar:

ClinVar aggregate classification (germline): Uncertain significance (1 of 4 stars; one submission).

Submission:

Women's Health and Genetics/Laboratory Corporation of America, LabCorp
Classification: Uncertain significance. Last evaluated: 2024-10-08. Review status: criteria provided, single submitter. Criteria: LabCorp Variant Classification Summary - May 2015. Collection method: clinical testing. Allele origin: germline.
Comment: Variant summary: The variant involves the duplication of exons 3-15 in the KIF26B gene. A presumed nomenclature of c.(465+1_466-1)_(*6827_?)dup has been designated for the purposes of this classification. The exact breakpoint at the 3' end of this variant is unknown, therefore this duplication may extend downstream of the annotated region of the gene. As it duplicates the termination codon, its effect on the encoded protein is unknown. It is assumed to be a tandem duplication in direct orientation (PMIDs: 25640679, 30054569). The variant was absent in 21694 control chromosomes. The available data on variant occurrences in the general population are insufficient to allow any conclusion about variant significance. To our knowledge, no occurrence of c.(465+1_466-1)_(*6827_?)dup in individuals affected with KIF26B-Related Disorders and no experimental evidence demonstrating its impact on protein function have been reported. No submitters have cited clinical-significance assessments for this variant to ClinVar. Based on the evidence outlined above, the variant was classified as uncertain significance.

NC_000001.10:g.(245319986_245530135)_(245872735_?)dup

Gene: KIF26B (kinesin family member 26B; plus strand). Cytogenetic location: 1q44.
Variant type: Duplication.
Identifiers: ClinVar variation 3384865 (VCV003384865.1).